The following is an entry in ClinVar:

NM_000552.5(VWF):c.7733G>A (p.Arg2578His)

Gene: VWF (von Willebrand factor; minus strand). Cytogenetic location: 12p13.31.
Variant type: single nucleotide variant.
Coding change: c.7733G>A on transcript NM_000552.5 (MANE Select); coding-DNA position 7733, G replaced by A.
Protein change: p.Arg2578His; replaces arginine 2578 with histidine.
Molecular consequence: missense variant.
Genome position (GRCh38, 1-based): chr12:5,968,164, C>T on the plus strand (G>A on the coding strand, the complement: VWF is on the minus strand). VCF-style: chr12-5968164-C-T. GRCh37 (hg19) VCF-style: chr12-6077330-C-T.
Other names: short protein forms R2578H.
Identifiers: ClinVar variation 4535864 (VCV004535864.1).

ClinVar aggregate classification (germline): Uncertain significance (1 of 4 stars; one submission).

gnomAD v4.1: 27 of 1,613,922 alleles (0.0017%); highest among the groups gnomAD compares: African/African-American, 0.004%; no homozygotes.

Submission:

Women's Health and Genetics/Laboratory Corporation of America, LabCorp
Classification: Uncertain significance. Last evaluated: 2025-09-03. Review status: criteria provided, single submitter. Criteria: LabCorp Variant Classification Summary - May 2015. Collection method: clinical testing. Allele origin: germline.
Comment: Variant summary: VWF c.7733G>A (p.Arg2578His) results in a non-conservative amino acid change in the encoded protein sequence. Algorithms developed to predict the effect of missense changes on protein structure and function are either unavailable or do not agree on the potential impact of this missense change. The variant allele was found at a frequency of 2e-05 in 251282 control chromosomes. The available data on variant occurrences in the general population are insufficient to allow any conclusion about variant significance. To our knowledge, no occurrence of c.7733G>A in individuals affected with VWF-related conditions and no experimental evidence demonstrating its impact on protein function have been reported. No submitters have cited clinical-significance assessments for this variant to ClinVar. Based on the evidence outlined above, the variant was classified as uncertain significance.